The following is an entry in ClinVar:

NM_000465.4(BARD1):c.1215G>C (p.Arg405Ser)

Gene: BARD1 (BRCA1 associated RING domain 1; minus strand). Cytogenetic location: 2q35.
Variant type: single nucleotide variant.
Coding change: c.1215G>C on transcript NM_000465.4 (MANE Select); coding-DNA position 1215, G replaced by C.
Protein change: p.Arg405Ser; replaces arginine 405 with serine.
Molecular consequence: missense variant. On other transcripts: non-coding transcript variant (2), intron variant (3).
Genome position (GRCh38, 1-based): chr2:214,780,659, C>G on the plus strand (G>C on the coding strand, the complement: BARD1 is on the minus strand). VCF-style: chr2-214780659-C-G. GRCh37 (hg19) VCF-style: chr2-215645383-C-G.
Other names: c.1158G>C, p.Arg386Ser (NM_001282543.2); c.159-28104G>C (NM_001282548.2); c.215+16402G>C (NM_001282545.2); c.364+11638G>C (NM_001282549.2); c.1215G>C (NM_000465.3); short protein forms R405S, R386S.
Identifiers: ClinVar variation 2450466 (VCV002450466.3), dbSNP rs1180710928, ClinGen allele CA350453696.

ClinVar aggregate classification (germline): Uncertain significance. Review status: criteria provided, multiple submitters, no conflicts (2 of 4 stars). 2 submissions from 2 submitters: Uncertain significance (2). Last evaluated 2023-05-10.

Conditions:
Hereditary cancer-predisposing syndrome. Also called: Neoplastic Syndromes, Hereditary; Tumor predisposition; Hereditary neoplastic syndrome; Hereditary Cancer Syndrome. Identifiers: Orphanet 140162, MedGen C0027672, MeSH D009386, MONDO:0015356.

Submissions (2):

Quest Diagnostics Nichols Institute San Juan Capistrano
Classification: Uncertain significance. Last evaluated: 2023-05-10. Review status: criteria provided, single submitter. Criteria: Quest Diagnostics criteria. Collection method: clinical testing. Allele origin: unknown.
Comment: The variant has not been reported in the published literature. It also has not been reported in large, multi-ethnic general populations. Analysis of this variant using bioinformatics tools for the prediction of the effect of amino acid changes on protein structure and function yielded predictions that this variant is benign. Based on the available information, we are unable to determine the clinical significance of this variant.

Ambry Genetics
Classification: Uncertain significance for Hereditary cancer-predisposing syndrome. Last evaluated: 2022-12-05. Review status: criteria provided, single submitter. Criteria: Ambry Variant Classification Scheme 2023. Collection method: clinical testing. Allele origin: germline.
Comment: The p.R405S variant (also known as c.1215G>C), located in coding exon 4 of the BARD1 gene, results from a G to C substitution at nucleotide position 1215. The arginine at codon 405 is replaced by serine, an amino acid with dissimilar properties. This amino acid position is conserved. In addition, this alteration is predicted to be tolerated by in silico analysis. Since supporting evidence is limited at this time, the clinical significance of this alteration remains unclear.